The following is an entry in ClinVar:

ClinVar aggregate classification (germline): Uncertain significance (1 of 4 stars; one submission).

Conditions:
Hereditary cancer-predisposing syndrome. Also called: Hereditary Cancer Syndrome; Tumor predisposition; Hereditary neoplastic syndrome; Neoplastic Syndromes, Hereditary. Identifiers: Orphanet 140162, MedGen C0027672, MeSH D009386, MONDO:0015356.

Submission:

Ambry Genetics
Classification: Uncertain significance for Hereditary cancer-predisposing syndrome. Last evaluated: 2024-10-25. Review status: criteria provided, single submitter. Criteria: Ambry Variant Classification Scheme 2023. Collection method: clinical testing. Allele origin: germline.
Comment: The p.K1266R variant (also known as c.3797A>G), located in coding exon 18 of the MET gene, results from an A to G substitution at nucleotide position 3797. The lysine at codon 1266 is replaced by arginine, an amino acid with highly similar properties. This amino acid position is conserved. In addition, this alteration is predicted to be deleterious by in silico analysis. Based on the available evidence, the clinical significance of this variant remains unclear.

NM_000245.4(MET):c.3743A>G (p.Lys1248Arg)

Gene: MET (MET proto-oncogene, receptor tyrosine kinase; plus strand). Cytogenetic location: 7q31.2.
Variant type: single nucleotide variant.
Coding change: c.3743A>G on transcript NM_000245.4 (MANE Select); coding-DNA position 3743, A replaced by G.
Protein change: p.Lys1248Arg; replaces lysine 1248 with arginine.
Molecular consequence: missense variant.
Genome position (GRCh38, 1-based): chr7:116,783,414, A>G. VCF-style: chr7-116783414-A-G. GRCh37 (hg19) VCF-style: chr7-116423468-A-G.
Other names: c.3797A>G, p.Lys1266Arg (NM_001127500.3); c.2453A>G, p.Lys818Arg (NM_001324402.2); short protein forms K1266R, K818R, K1248R.
Identifiers: ClinVar variation 3395181 (VCV003395181.1).
Genomic context (GRCh38, chr7:116,783,414, plus strand): 5'-ACATGTATGATAAAGAATACTATAGTGTACACAACAAAACAGGTGCAAAGCTGCCAGTGA[A>G]GTGGATGGCTTTGGAAAGTCTGCAAACTCAAAAGTTTACCACCAAGTCAGATGTGGTAAT-3'
Protein context (NP_000236.2, residues 1238-1258): HNKTGAKLPV[Lys1248Arg]WMALESLQTQ